The following is an entry in ClinVar:

NM_032603.5(LOXL3):c.1640G>A (p.Arg547Gln)

Gene: LOXL3 (lysyl oxidase like 3; minus strand). Cytogenetic location: 2p13.1.
Variant type: single nucleotide variant.
Coding change: c.1640G>A on transcript NM_032603.5 (MANE Select); coding-DNA position 1640, G replaced by A.
Protein change: p.Arg547Gln; replaces arginine 547 with glutamine.
Molecular consequence: missense variant.
Genome position (GRCh38, 1-based): chr2:74,534,714, C>T on the plus strand (G>A on the coding strand, the complement: LOXL3 is on the minus strand). VCF-style: chr2-74534714-C-T. GRCh37 (hg19) VCF-style: chr2-74761841-C-T.
Other names: c.1205G>A, p.Arg402Gln (NM_001289164.3); c.557G>A, p.Arg186Gln (NM_001289165.2); short protein forms R186Q, R547Q, R402Q.
Identifiers: ClinVar variation 1409408 (VCV001409408.5), dbSNP rs200922742, ClinGen allele CA1728826.
Genomic context (GRCh38, chr2:74,534,714, plus strand): 5'-GAGCGGGCTGAGCTGGCCAGGCAGTTCTCTTCCGCAGCACAGTACAACATATGCAGGGGC[C>T]GGTCTTCGATGTAGGCGGTCTCCTGCACCAGTGCTGAGTGCAGCAACAGATCTGATGCAG-3'
Protein context (NP_115992.1, residues 537-557): LVQETAYIED[Arg547Gln]PLHMLYCAAE

ClinVar aggregate classification (germline): Uncertain significance (1 of 4 stars; one submission).

Allele frequency attached by ClinVar (database versions not stated): gnomAD 0.00002; TOPMed 0.00003; gnomAD exomes 0.00006; ExAC 0.00007; ESP Exome Variant Server 0.00015.

Submission:

Labcorp Genetics (formerly Invitae), Labcorp
Classification: Uncertain significance. Last evaluated: 2024-10-08. Review status: criteria provided, single submitter. Criteria: Invitae Variant Classification Sherloc (09022015). Collection method: clinical testing. Allele origin: germline.
Comment: This sequence change replaces arginine, which is basic and polar, with glutamine, which is neutral and polar, at codon 547 of the LOXL3 protein (p.Arg547Gln). This variant is present in population databases (rs200922742, gnomAD 0.1%). This variant has not been reported in the literature in individuals affected with LOXL3-related conditions. ClinVar contains an entry for this variant (Variation ID: 1409408). An algorithm developed to predict the effect of missense changes on protein structure and function (PolyPhen-2) suggests that this variant is likely to be disruptive. In summary, the available evidence is currently insufficient to determine the role of this variant in disease. Therefore, it has been classified as a Variant of Uncertain Significance.